The following is an entry in ClinVar:

ClinVar aggregate classification (germline): Likely benign (1 of 4 stars; one submission).

gnomAD v4.1: 5 of 1,613,654 alleles (0.00031%); highest among the groups gnomAD compares: Non-Finnish European, 0.00042%; no homozygotes.

Submission:

CeGaT Center for Human Genetics Tuebingen
Classification: Likely benign. Last evaluated: 2025-03-01. Review status: criteria provided, single submitter. Criteria: CeGaT Center For Human Genetics Tuebingen Variant Classification Criteria Version 2. Collection method: clinical testing. Allele origin: germline. Affected: yes. Observed: 1 variant allele.
Comment: KDM2B: BP4, BP7

NM_032590.5(KDM2B):c.510G>T (p.Leu170=)

Gene: KDM2B (lysine demethylase 2B; minus strand). Cytogenetic location: 12q24.31.
Variant type: single nucleotide variant.
Coding change: c.510G>T on transcript NM_032590.5 (MANE Select); coding-DNA position 510, G replaced by T.
Protein change: p.Leu170=; no amino-acid change (leucine 170 retained).
Molecular consequence: synonymous variant.
Genome position (GRCh38, 1-based): chr12:121,549,526, C>A on the plus strand (G>T on the coding strand, the complement: KDM2B is on the minus strand). VCF-style: chr12-121549526-C-A. GRCh37 (hg19) VCF-style: chr12-121987431-C-A.
Other names: c.417G>T, p.Leu139= (NM_001005366.2).
Identifiers: ClinVar variation 3778269 (VCV003778269.7).